The following is an entry in ClinVar:

Single allele

Gene: DMD (dystrophin; minus strand). Cytogenetic location: Xp21.1.
Variant type: Deletion.
Identifiers: ClinVar variation 2684148 (VCV002684148.1).

ClinVar aggregate classification (germline): Pathogenic (1 of 4 stars; one submission).

Submission:

Athena Diagnostics
Classification: Pathogenic. Last evaluated: 2022-10-21. Review status: criteria provided, single submitter. Criteria: Athena Diagnostics Criteria. Collection method: clinical testing. Allele origin: unknown.
Comment: This deletion variant is predicted to maintain the open reading frame. However, due to the altered protein length, it is expected to severely disrupt protein function. A similar deletion of exons 42-44 has been identified in at least one individual with clinical features of BMD, and in individuals where the type of dystrophinopathy was not specified. Similar variants have not been reported in large, multi-ethnic general populations (Genome Aggregation Database (gnomAD), Cambridge, MA (URL)).

Literature cited by the submitters: PubMed 8543940; PubMed 32194622; PubMed 29973226; PubMed 34268379; PubMed 2491010.